The following is an entry in ClinVar:

NM_001277115.2(DNAH11):c.3365C>T (p.Thr1122Ile)

Genes: DNAH11 (dynein axonemal heavy chain 11; plus strand), LOC126859961 (BRD4-independent group 4 enhancer GRCh37_chr7:21639662-21640861; plus strand). Cytogenetic location: 7p15.3.
Variant type: single nucleotide variant.
Coding change: c.3365C>T on transcript NM_001277115.2 (MANE Select); coding-DNA position 3365, C replaced by T.
Protein change: p.Thr1122Ile; replaces threonine 1122 with isoleucine.
Molecular consequence: missense variant.
Genome position (GRCh38, 1-based): chr7:21,601,119, C>T. VCF-style: chr7-21601119-C-T. GRCh37 (hg19) VCF-style: chr7-21640737-C-T.
Other names: short protein forms T1122I.
Identifiers: ClinVar variation 238910 (VCV000238910.9), dbSNP rs878854442, ClinGen allele CA10582479.

ClinVar aggregate classification (germline): Uncertain significance (1 of 4 stars; one submission).

Conditions:
Primary ciliary dyskinesia. Also called: Ciliary dyskinesia. Identifiers: Orphanet 244, MedGen C0008780, MONDO:0016575, HP:0012265.

gnomAD v4.1: 1 of 1,610,472 alleles (0.000062%); highest among the groups gnomAD compares: Non-Finnish European, 0.000085%; no homozygotes.

Submission:

Labcorp Genetics (formerly Invitae), Labcorp
Classification: Uncertain significance for Primary ciliary dyskinesia. Last evaluated: 2019-01-12. Review status: criteria provided, single submitter. Criteria: Invitae Variant Classification Sherloc (09022015). Collection method: clinical testing. Allele origin: germline.
Comment: This variant is not present in population databases (ExAC no frequency) and has not been reported in the literature in individuals with a DNAH11-related disease. This sequence change replaces threonine with isoleucine at codon 1122 of the DNAH11 protein (p.Thr1122Ile). The threonine residue is weakly conserved and there is a moderate physicochemical difference between threonine and isoleucine. Algorithms developed to predict the effect of missense changes on protein structure and function (SIFT, PolyPhen-2, Align-GVGD) all suggest that this variant is likely to be tolerated, but these predictions have not been confirmed by published functional studies. In summary, this is a novel missense change that is not predicted to affect protein function or cause disease. However, the evidence is insufficient at this time to prove that conclusively. It has been classified as a Variant of Uncertain Significance.